The following is an entry in ClinVar:

NM_001379291.1(BRD4):c.2158+2782G>C

Gene: BRD4 (bromodomain containing 4; minus strand). Cytogenetic location: 19p13.12.
Variant type: single nucleotide variant.
Coding change: c.2158+2782G>C on transcript NM_001379291.1 (MANE Select); 2782 bases into the intron after coding-DNA position 2158, G replaced by C.
Molecular consequence: intron variant.
Genome position (GRCh38, 1-based): chr19:15,251,370, C>G on the plus strand (G>C on the coding strand, the complement: BRD4 is on the minus strand). VCF-style: chr19-15251370-C-G. GRCh37 (hg19) VCF-style: chr19-15362181-C-G.
Other names: c.2158+2782G>C (NM_058243.3); c.2159-2080G>C (NM_001379292.1, NM_014299.3).
Identifiers: ClinVar variation 2649467 (VCV002649467.24), dbSNP rs191660904, ClinGen allele CA305797433.

ClinVar aggregate classification (germline): Likely benign (1 of 4 stars; one submission).

Allele frequency attached by ClinVar (database versions not stated): 1000 Genomes Project 30x 0.00187; TOPMed 0.00468; 1000 Genomes Project 0.00060.
gnomAD v4.1: 753 of 136,526 alleles (0.55%); highest among the groups gnomAD compares: Non-Finnish European, 0.83%; 2 homozygotes.

Submission:

CeGaT Center for Human Genetics Tuebingen
Classification: Likely benign. Last evaluated: 2024-10-01. Review status: criteria provided, single submitter. Criteria: CeGaT Center For Human Genetics Tuebingen Variant Classification Criteria Version 2. Collection method: clinical testing. Allele origin: germline. Affected: yes. Observed: 5 variant alleles.
Comment: BRD4: BS1